The following is an entry in ClinVar:

NM_015107.3(PHF8):c.2131G>A (p.Glu711Lys)

Gene: PHF8 (PHD finger protein 8; minus strand). Cytogenetic location: Xp11.22.
Variant type: single nucleotide variant.
Coding change: c.2131G>A on transcript NM_015107.3 (MANE Select); coding-DNA position 2131, G replaced by A.
Protein change: p.Glu711Lys; replaces glutamic acid 711 with lysine.
Molecular consequence: missense variant.
Genome position (GRCh38, 1-based): chrX:53,985,226, C>T on the plus strand (G>A on the coding strand, the complement: PHF8 is on the minus strand). VCF-style: chrX-53985226-C-T. GRCh37 (hg19) VCF-style: chrX-54011659-C-T.
Other names: NC_000023.10:g.54011659C>T; c.2239G>A, p.Glu747Lys (NM_001184896.1); c.1828G>A, p.Glu610Lys (NM_001184897.2); c.2080G>A, p.Glu694Lys (NM_001184898.2); short protein forms E711K, E694K, E747K, E610K.
Identifiers: ClinVar variation 211901 (VCV000211901.16), dbSNP rs41306749, ClinGen allele CA209130.
Genomic context (GRCh38, chrX:53,985,226, plus strand): 5'-GGTTGGCCATGCACAGCATGCCCTGGATGGCCTCCTGAGTGCTGGGAGAAGCTGGGGCCT[C>T]GCTGCAAGGAACAGAGGAGAAATACTGAGAGAGTTGTTTTTAGCTGTCAGAGTAAATCGG-3'
Protein context (NP_055922.1, residues 701-721): VGGPDYAALT[Glu711Lys]APASPSTQEA

ClinVar aggregate classification (germline): Benign/Likely benign. Review status: criteria provided, multiple submitters, no conflicts (2 of 4 stars). 6 submissions from 6 submitters: Benign (1); Likely benign (2). 3 of the submissions do not count toward it. Last evaluated 2018-01-10.

Conditions:
PHF8-related disorder. Also called: PHF8-related condition.
Inborn genetic diseases. Identifiers: MedGen C0950123, MeSH D030342.

Allele frequency attached by ClinVar (database versions not stated): 1000 Genomes Project 0.00026; 1000 Genomes Project 30x 0.00042; gnomAD exomes 0.00069 and 0.00138; TOPMed 0.00083; ExAC 0.00085; gnomAD 0.00085 and 0.00089; ESP Exome Variant Server 0.00114.
gnomAD v4.1: 1,541 of 1,189,248 alleles (0.13%); highest among the groups gnomAD compares: Non-Finnish European, 0.17%; no homozygotes.

Submissions (9):

Ambry Genetics
Classification: Benign for Inborn genetic diseases. Last evaluated: 2018-01-10. Review status: criteria provided, single submitter. Criteria: Ambry Variant Classification Scheme 2023. Collection method: clinical testing. Allele origin: germline.

Center for Pediatric Genomic Medicine, Children's Mercy Hospital and Clinics
Classification: Likely benign. Last evaluated: 2017-08-15. Review status: criteria provided, single submitter. Criteria: ACMG Guidelines, 2015. Collection method: clinical testing. Allele origin: germline.

Genetic Services Laboratory, University of Chicago
Classification: Likely benign. Last evaluated: 2016-07-15. Review status: criteria provided, single submitter. Criteria: ACMG Guidelines, 2015. Collection method: clinical testing. Allele origin: germline. Affected: no.

PreventionGenetics, part of Exact Sciences
Classification: Likely benign for PHF8-related condition. Last evaluated: 2019-03-07. Review status: no assertion criteria provided. Collection method: clinical testing. Allele origin: germline. Not counted in ClinVar's aggregate classification.
Comment: This variant is classified as likely benign based on ACMG/AMP sequence variant interpretation guidelines (Richards et al. 2015 PMID: 25741868, with internal and published modifications).

Clinical Genetics DNA and cytogenetics Diagnostics Lab, Erasmus MC, Erasmus Medical Center
Classification: Likely benign. Review status: no assertion criteria provided. Collection method: clinical testing. Allele origin: germline. Affected: yes. Study: VKGL Data-share Consensus. Not counted in ClinVar's aggregate classification.

Dr. Peter K. Rogan Lab, Western University
No classification provided (evidence only). Condition: Acute myeloid leukemia. Review status: no classification provided. Collection method: in vitro. Allele origin: not applicable. Functional consequence: retained intron. Not counted in ClinVar's aggregate classification.

Dr. Peter K. Rogan Lab, Western University
No classification provided (evidence only). Condition: Sarcoma. Review status: no classification provided. Collection method: in vitro. Allele origin: not applicable. Functional consequence: retained intron. Not counted in ClinVar's aggregate classification.

Dr. Peter K. Rogan Lab, Western University
No classification provided (evidence only). Condition: Gastric cancer. Review status: no classification provided. Collection method: in vitro. Allele origin: not applicable. Functional consequence: retained intron. Not counted in ClinVar's aggregate classification.

Genome Diagnostics Laboratory, University Medical Center Utrecht
Classification: Likely benign. Review status: no assertion criteria provided. Collection method: clinical testing. Allele origin: germline. Affected: yes. Study: VKGL Data-share Consensus. Not counted in ClinVar's aggregate classification.